The following is an entry in ClinVar:

ClinVar aggregate classification (germline): Conflicting classifications of pathogenicity. Review status: criteria provided, conflicting classifications (1 of 4 stars). 3 submissions from 3 submitters: Uncertain significance (2); Likely benign (1). Last evaluated 2026-08-20.

Conditions:
Cardiovascular phenotype. Identifiers: MedGen CN230736.
Duchenne muscular dystrophy (DMD). Also called: MUSCULAR DYSTROPHY, PSEUDOHYPERTROPHIC PROGRESSIVE, DUCHENNE TYPE; Duchenne Muscular Dystrophy (DMD). Identifiers: Orphanet 98896, MedGen C0013264, MONDO:0010679, OMIM 310200.

Allele frequency attached by ClinVar (database versions not stated): TOPMed 0.00001; ExAC 0.00003.
gnomAD v4.1: 4 of 1,190,586 alleles (0.00034%); highest among the groups gnomAD compares: Non-Finnish European, 0.00045%; no homozygotes.

Submissions (3):

Ambry Genetics
Classification: Likely benign for Cardiovascular phenotype. Last evaluated: 2026-08-20. Review status: criteria provided, single submitter. Criteria: Ambry Variant Classification Scheme 2023. Collection method: clinical testing. Allele origin: germline.

Labcorp Genetics (formerly Invitae), Labcorp
Classification: Uncertain significance for Duchenne muscular dystrophy. Last evaluated: 2025-01-17. Review status: criteria provided, single submitter. Criteria: Invitae Variant Classification Sherloc (09022015). Collection method: clinical testing. Allele origin: germline.
Comment: This sequence change replaces isoleucine, which is neutral and non-polar, with valine, which is neutral and non-polar, at codon 278 of the DMD protein (p.Ile278Val). The frequency data for this variant in the population databases is considered unreliable, as metrics indicate poor data quality at this position in the gnomAD database. This variant has not been reported in the literature in individuals affected with DMD-related conditions. ClinVar contains an entry for this variant (Variation ID: 1762948). An algorithm developed to predict the effect of missense changes on protein structure and function (PolyPhen-2) suggests that this variant¬†is likely to be tolerated. In summary, the available evidence is currently insufficient to determine the role of this variant in disease. Therefore, it has been classified as a Variant of Uncertain Significance.

Revvity Omics, Revvity
Classification: Uncertain significance. Last evaluated: 2021-11-25. Review status: criteria provided, single submitter. Criteria: ACMG Guidelines, 2015. Collection method: clinical testing. Allele origin: germline.

NM_004006.3(DMD):c.832A>G (p.Ile278Val)

Gene: DMD (dystrophin; minus strand). Cytogenetic location: Xp21.1.
Variant type: single nucleotide variant.
Coding change: c.832A>G on transcript NM_004006.3 (MANE Select); coding-DNA position 832, A replaced by G.
Protein change: p.Ile278Val; replaces isoleucine 278 with valine.
Molecular consequence: missense variant.
Genome position (GRCh38, 1-based): chrX:32,697,998, T>C on the plus strand (A>G on the coding strand, the complement: DMD is on the minus strand). VCF-style: chrX-32697998-T-C. GRCh37 (hg19) VCF-style: chrX-32716115-T-C.
Other names: c.808A>G, p.Ile270Val (NM_000109.4); c.820A>G, p.Ile274Val (NM_004009.3); c.463A>G, p.Ile155Val (NM_004010.3); short protein forms I270V, I274V, I155V, I278V.
Identifiers: ClinVar variation 1762948 (VCV001762948.7), dbSNP rs779964937, ClinGen allele CA10380045.
Genomic context (GRCh38, chrX:32,697,998, plus strand): 5'-TCTTGAATCGAGGCTTAGGGGAAGAAGTTCTCTCATATCCCTGTGCTAGACTGACCGTGA[T>C]CTGCAGAGAAGGGTTTGGGGGAGTGGATAGAGAGGAGGGGGAAAAACCATAAGTAACCCG-3'
Protein context (NP_003997.2, residues 268-288): LHHQMHYSQQ[Ile278Val]TVSLAQGYER